The following is an entry in ClinVar:

ClinVar aggregate classification (germline): Uncertain significance (1 of 4 stars; one submission).

Allele frequency attached by ClinVar (database versions not stated): gnomAD exomes below 0.00001 and 0.00001; TOPMed below 0.00001.

Submission:

GeneDx
Classification: Uncertain significance. Last evaluated: 2019-09-22. Review status: criteria provided, single submitter. Criteria: GeneDx Variant Classification Process June 2021. Collection method: clinical testing. Allele origin: germline. Affected: yes.
Comment: In silico analysis, which includes protein predictors and evolutionary conservation, supports that this variant does not alter protein structure/function; Has not been previously published as pathogenic or benign to our knowledge; Variants in candidate genes are classified as variants of uncertain significance in accordance with ACMG guidelines (Richards et al., 2015)

NM_005393.3(PLXNB3):c.1009G>C (p.Gly337Arg)

Gene: PLXNB3 (plexin B3; plus strand). Cytogenetic location: Xq28.
Variant type: single nucleotide variant.
Coding change: c.1009G>C on transcript NM_005393.3 (MANE Select); coding-DNA position 1009, G replaced by C.
Protein change: p.Gly337Arg; replaces glycine 337 with arginine.
Molecular consequence: missense variant.
Genome position (GRCh38, 1-based): chrX:153,767,836, G>C. VCF-style: chrX-153767836-G-C. GRCh37 (hg19) VCF-style: chrX-153033291-G-C.
Other names: c.1078G>C, p.Gly360Arg (NM_001163257.2); short protein forms G337R, G360R.
Identifiers: ClinVar variation 432350 (VCV000432350.4), dbSNP rs1557059915, ClinGen allele CA415097737.